The following is an entry in ClinVar:

ClinVar aggregate classification (germline): Pathogenic (1 of 4 stars; one submission).

Conditions:
Propionic acidemia (PROP). Also called: GLYCINEMIA, KETOTIC; HYPERGLYCINEMIA WITH KETOACIDOSIS AND LEUKOPENIA; KETOTIC HYPERGLYCINEMIA. Identifiers: Orphanet 35, MedGen C0268579, MONDO:0011628, OMIM 606054, HP:0003571.

Submission:

Myriad Genetics, Inc.
Classification: Pathogenic for Propionic acidemia. Last evaluated: 2024-05-03. Review status: criteria provided, single submitter. Criteria: Myriad Autosomal Dominant, Autosomal Recessive and X-Linked Classification Criteria (2023). Collection method: clinical testing. Allele origin: unknown.
Comment: NM_000282.3(PCCA):c.1821delT(D608Mfs*18) is expected to be pathogenic in the context of PCCA-related propionic acidemia. This variant is predicted to lead to an abnormal or absent protein product due to the creation of a premature termination codon in PCCA, a gene where loss-of-function variants are known to be pathogenic. Please note: this variant was assessed in the context of healthy population screening.

NM_000282.4(PCCA):c.1821del (p.Asp608fs)

Gene: PCCA (propionyl-CoA carboxylase subunit alpha; plus strand). Cytogenetic location: 13q32.3.
Variant type: Deletion.
Coding change: c.1821del on transcript NM_000282.4 (MANE Select); coding-DNA position 1821, one base deleted (T; older notation c.1821delT).
Protein change: p.Asp608fs; shifts the reading frame from aspartic acid 608.
Molecular consequence: frameshift variant. On other transcripts: non-coding transcript variant (5).
Genome position (GRCh38, 1-based): chr13:100,425,707, T deleted; the last of 2 consecutive T bases (chr13:100,425,706-100,425,707); deleting either gives the same sequence. VCF-style (leftmost placement, unchanged base first): chr13-100425705-GT-G. GRCh37 (hg19) VCF-style: chr13-101077959-GT-G.
Other names: c.1743del, p.Asp582fs (NM_001127692.3, NM_001352607.2); c.1821del, p.Asp608fs (NM_001178004.2, NM_001352605.2, NM_001352609.2); c.1677del, p.Asp560fs (NM_001352606.2); c.1599del, p.Asp534fs (NM_001352608.2); c.876del, p.Asp293fs (NM_001352610.2, NM_001352611.2); c.732del, p.Asp245fs (NM_001352612.2); short protein forms D245fs, D293fs, D534fs, D560fs, D582fs, D608fs.
Identifiers: ClinVar variation 5012995 (VCV005012995.1).